The following is an entry in ClinVar:

ClinVar aggregate classification (germline): Uncertain significance. Review status: criteria provided, multiple submitters, no conflicts (2 of 4 stars). 3 submissions from 3 submitters: Uncertain significance (3). Last evaluated 2022-05-16.

Conditions:
Generalized pustular psoriasis. Identifiers: Orphanet 247353, MedGen C0343055, MONDO:0100491.
Autoinflammatory syndrome. Identifiers: Orphanet 93665, MedGen C3890737, MONDO:0019751.

Allele frequency attached by ClinVar (database versions not stated): gnomAD exomes 0.00001 and 0.00003; TOPMed 0.00001; ExAC 0.00003.

Submissions (3):

Labcorp Genetics (formerly Invitae), Labcorp
Classification: Uncertain significance for Generalized pustular psoriasis. Last evaluated: 2022-05-16. Review status: criteria provided, single submitter. Criteria: Invitae Variant Classification Sherloc (09022015). Collection method: clinical testing. Allele origin: germline.
Comment: This sequence change falls in intron 3 of the IL36RN gene. It does not directly change the encoded amino acid sequence of the IL36RN protein. It affects a nucleotide within the consensus splice site. This variant is present in population databases (rs772037773, gnomAD 0.007%). This variant has been observed in individual(s) with generalized pustular psoriasis (PMID: 30036598). ClinVar contains an entry for this variant (Variation ID: 624147). Variants that disrupt the consensus splice site are a relatively common cause of aberrant splicing (PMID: 17576681, 9536098). Algorithms developed to predict the effect of sequence changes on RNA splicing suggest that this variant may disrupt the consensus splice site. In summary, the available evidence is currently insufficient to determine the role of this variant in disease. Therefore, it has been classified as a Variant of Uncertain Significance.

CeGaT Center for Human Genetics Tuebingen
Classification: Uncertain significance. Last evaluated: 2018-04-01. Review status: criteria provided, single submitter. Criteria: CeGaT Center For Human Genetics Tuebingen Variant Classification Criteria Version 2. Collection method: clinical testing. Allele origin: germline. Affected: yes. Observed: 1 variant allele.

Genome Diagnostics Laboratory, The Hospital for Sick Children
Classification: Uncertain significance for Autoinflammatory syndrome. Last evaluated: 2016-12-12. Review status: criteria provided, single submitter. Criteria: ACMG Guidelines, 2015. Collection method: clinical testing. Allele origin: germline. Affected: yes.

Literature cited by the submitters: PubMed 30036598 (cited by Labcorp Genetics (formerly Invitae), Labcorp); PubMed 17576681 (cited by Labcorp Genetics (formerly Invitae), Labcorp); PubMed 9536098 (cited by Labcorp Genetics (formerly Invitae), Labcorp).

NM_012275.3(IL36RN):c.115+5G>A

Gene: IL36RN (interleukin 36 receptor antagonist; plus strand). Cytogenetic location: 2q14.1.
Variant type: single nucleotide variant.
Coding change: c.115+5G>A on transcript NM_012275.3 (MANE Select); 5 bases into the intron after coding-DNA position 115, G replaced by A.
Molecular consequence: intron variant.
Genome position (GRCh38, 1-based): chr2:113,060,942, G>A. VCF-style: chr2-113060942-G-A. GRCh37 (hg19) VCF-style: chr2-113818519-G-A.
Other names: c.115+5G>A (NM_173170.1).
Identifiers: ClinVar variation 624147 (VCV000624147.49), dbSNP rs772037773, ClinGen allele CA1838347.